The following is an entry in ClinVar:

ClinVar aggregate classification (germline): Pathogenic. Review status: criteria provided, multiple submitters, no conflicts (2 of 4 stars). 2 submissions from 2 submitters: Pathogenic (2). Last evaluated 2021-07-21.

Conditions:
Intellectual developmental disorder, autosomal dominant 29. Also called: SETBP1 Haploinsufficiency Disorder; Intellectual disability, autosomal dominant 29. Identifiers: Orphanet 436151, MedGen C4015141, MONDO:0014482, OMIM 616078.
Inborn genetic diseases. Identifiers: MedGen C0950123, MeSH D030342.

Submissions (2):

Labcorp Genetics (formerly Invitae), Labcorp
Classification: Pathogenic. Last evaluated: 2021-07-21. Review status: criteria provided, single submitter. Criteria: Invitae Variant Classification Sherloc (09022015). Collection method: clinical testing. Allele origin: germline.
Comment: This variant is not present in population databases (ExAC no frequency). This sequence change creates a premature translational stop signal (p.Met470*) in the SETBP1 gene. It is expected to result in an absent or disrupted protein product. Loss-of-function variants in SETBP1 are known to be pathogenic (PMID: 21037274, 25217958). This variant has not been reported in the literature in individuals affected with SETBP1-related conditions. ClinVar contains an entry for this variant (Variation ID: 520830). For these reasons, this variant has been classified as Pathogenic.

Ambry Genetics
Classification: Pathogenic for Inborn genetic diseases. Last evaluated: 2015-10-13. Review status: criteria provided, single submitter. Criteria: Ambry exome assertion method (8-5-2015). Collection method: clinical testing. Allele origin: germline. Affected: yes. Observed: 1 variant allele.

Literature cited by the submitters: PubMed 21037274 (cited by Labcorp Genetics (formerly Invitae), Labcorp); PubMed 25217958 (cited by Labcorp Genetics (formerly Invitae), Labcorp).

NM_015559.3(SETBP1):c.1408del (p.Lys469_Met470insTer)

Gene: SETBP1 (SET binding protein 1; plus strand). Cytogenetic location: 18q12.3.
Variant type: Deletion.
Coding change: c.1408del on transcript NM_015559.3 (MANE Select); coding-DNA position 1408, one base deleted (A; older notation c.1408delA).
Protein change: p.Lys469_Met470insTer.
Molecular consequence: nonsense.
Genome position (GRCh38, 1-based): chr18:44,950,748, A deleted; the last of 4 consecutive A bases (chr18:44,950,745-44,950,748); deleting any one gives the same sequence. VCF-style (leftmost placement, unchanged base first): chr18-44950744-TA-T. GRCh37 (hg19) VCF-style: chr18-42530709-TA-T.
Other names: c.1408del, p.Lys469_Met470insTer (LRG_1150t1); c.1408delA (NM_015559.3).
Identifiers: ClinVar variation 520830 (VCV000520830.10), dbSNP rs1555706391, ClinGen allele CA658799039.